The following is an entry in ClinVar:

NM_130837.3(OPA1):c.1633C>T (p.Leu545Phe)

Gene: OPA1 (OPA1 mitochondrial dynamin like GTPase; plus strand). Cytogenetic location: 3q29.
Variant type: single nucleotide variant.
Coding change: c.1633C>T on transcript NM_130837.3 (MANE Select); coding-DNA position 1633, C replaced by T.
Protein change: p.Leu545Phe; replaces leucine 545 with phenylalanine.
Molecular consequence: missense variant.
Genome position (GRCh38, 1-based): chr3:193,645,577, C>T. VCF-style: chr3-193645577-C-T. GRCh37 (hg19) VCF-style: chr3-193363366-C-T.
Other names: c.1099C>T, p.Leu367Phe (NM_001354663.2); c.1096C>T, p.Leu366Phe (NM_001354664.2); c.1468C>T, p.Leu490Phe (NM_015560.3); c.1360C>T, p.Leu454Phe (NM_130831.3); c.1414C>T, p.Leu472Phe (NM_130832.3); c.1471C>T, p.Leu491Phe (NM_130833.3); c.1522C>T, p.Leu508Phe (NM_130834.3); c.1525C>T, p.Leu509Phe (NM_130835.3); and 1 more; short protein forms L454F, L490F, L527F, L545F, L491F, L508F, L509F, L367F.
Identifiers: ClinVar variation 4740917 (VCV004740917.1).

ClinVar aggregate classification (germline): Uncertain significance (1 of 4 stars; one submission).

gnomAD v4.1: 2 of 1,612,874 alleles (0.00012%); highest among the groups gnomAD compares: Admixed American, 0.0017%; no homozygotes.

Submission:

Labcorp Genetics (formerly Invitae), Labcorp
Classification: Uncertain significance. Last evaluated: 2025-02-15. Review status: criteria provided, single submitter. Criteria: Invitae Variant Classification Sherloc (09022015). Collection method: clinical testing. Allele origin: germline.
Comment: This sequence change replaces leucine, which is neutral and non-polar, with phenylalanine, which is neutral and non-polar, at codon 490 of the OPA1 protein (p.Leu490Phe). This variant is not present in population databases (gnomAD no frequency). This variant has not been reported in the literature in individuals affected with OPA1-related conditions. Invitae Evidence Modeling of protein sequence and biophysical properties (such as structural, functional, and spatial information, amino acid conservation, physicochemical variation, residue mobility, and thermodynamic stability) indicates that this missense variant is expected to disrupt OPA1 protein function with a positive predictive value of 80%. In summary, the available evidence is currently insufficient to determine the role of this variant in disease. Therefore, it has been classified as a Variant of Uncertain Significance.